The following is an entry in ClinVar:

ClinVar aggregate classification (germline): Likely benign. Review status: criteria provided, multiple submitters, no conflicts (2 of 4 stars). 3 submissions from 3 submitters: Likely benign (2). 1 of the submissions does not count toward it. Last evaluated 2026-09-01.

Conditions:
DOK7-related disorder. Also called: DOK7-related condition.

Submissions (3):

CeGaT Center for Human Genetics Tuebingen
Classification: Likely benign. Last evaluated: 2026-09-01. Review status: criteria provided, single submitter. Criteria: CeGaT Center For Human Genetics Tuebingen Variant Classification Criteria Version 2. Collection method: clinical testing. Allele origin: germline. Affected: yes. Observed: 5 variant alleles.
Comment: DOK7: BP4, BS2

Blueprint Genetics
Classification: Likely benign. Last evaluated: 2024-11-26. Review status: criteria provided, single submitter. Criteria: ACMG Guidelines, 2015. Collection method: clinical testing. Allele origin: germline.

PreventionGenetics, part of Exact Sciences
Classification: Benign for DOK7-related condition. Last evaluated: 2024-01-10. Review status: no assertion criteria provided. Collection method: clinical testing. Allele origin: germline. Not counted in ClinVar's aggregate classification.
Comment: This variant is classified as benign based on ACMG/AMP sequence variant interpretation guidelines (Richards et al. 2015 PMID: 25741868, with internal and published modifications).

NM_001301071.2(DOK7):c.1541-5dup

Gene: DOK7 (docking protein 7; plus strand). Cytogenetic location: 4p16.3.
Variant type: Duplication.
Coding change: c.1541-5dup on transcript NM_001301071.2; 5 bases into the intron before coding-DNA position 1541, one base duplicated (C; older notation c.1541-5dupC).
Molecular consequence: intron variant.
Genome position (GRCh38, 1-based): chr4:3,500,246, C duplicated; the last of 6 consecutive C bases (chr4:3,500,241-3,500,246); duplicating any one gives the same sequence. VCF-style (leftmost placement, unchanged base first): chr4-3500240-T-TC. GRCh37 (hg19) VCF-style: chr4-3501967-T-TC.
Other names: c.1109-5dup (NM_001363811.2).
Identifiers: ClinVar variation 3037664 (VCV003037664.16), dbSNP rs532650343, ClinGen allele CA2829614.